The following is an entry in ClinVar:

NM_001283009.2(RTEL1):c.3218C>T (p.Ser1073Phe)

Genes: RTEL1 (regulator of telomere elongation helicase 1; plus strand), RTEL1-TNFRSF6B (RTEL1-TNFRSF6B readthrough (NMD candidate); plus strand). Cytogenetic location: 20q13.33.
Variant type: single nucleotide variant.
Coding change: c.3218C>T on transcript NM_001283009.2 (MANE Select); coding-DNA position 3218, C replaced by T.
Protein change: p.Ser1073Phe; replaces serine 1073 with phenylalanine.
Molecular consequence: missense variant. On other transcripts: non-coding transcript variant (1).
Genome position (GRCh38, 1-based): chr20:63,694,849, C>T. VCF-style: chr20-63694849-C-T. GRCh37 (hg19) VCF-style: chr20-62326202-C-T.
Other names: c.2549C>T, p.Ser850Phe (NM_001283010.1); c.3218C>T, p.Ser1073Phe (NM_016434.4); c.3290C>T, p.Ser1097Phe (NM_032957.5); short protein forms S850F, S1073F, S1097F.
Identifiers: ClinVar variation 3435991 (VCV003435991.1).

ClinVar aggregate classification (germline): Uncertain significance (1 of 4 stars; one submission).

Conditions:
Inborn genetic diseases. Identifiers: MedGen C0950123, MeSH D030342.

gnomAD v4.1: 1 of 1,612,626 alleles (0.000062%); highest among the groups gnomAD compares: African/African-American, 0.0013%; no homozygotes.

Submission:

Ambry Genetics
Classification: Uncertain significance for Inborn genetic diseases. Last evaluated: 2024-11-28. Review status: criteria provided, single submitter. Criteria: Ambry Variant Classification Scheme 2023. Collection method: clinical testing. Allele origin: germline.
Comment: The p.S1073F variant (also known as c.3218C>T), located in coding exon 31 of the RTEL1 gene, results from a C to T substitution at nucleotide position 3218. The serine at codon 1073 is replaced by phenylalanine, an amino acid with highly dissimilar properties. This amino acid position is conserved. In addition, this alteration is predicted to be tolerated by in silico analysis. Based on the available evidence, the clinical significance of this variant remains unclear.